The following is an entry in ClinVar:

ClinVar aggregate classification (germline): Uncertain significance. Review status: criteria provided, multiple submitters, no conflicts (2 of 4 stars). 2 submissions from 2 submitters: Uncertain significance (2). Last evaluated 2024-01-04.

Allele frequency attached by ClinVar (database versions not stated): TOPMed 0.00001.

Submissions (2):

Ambry Genetics
Classification: Uncertain significance. Last evaluated: 2024-01-04. Review status: criteria provided, single submitter. Criteria: Ambry Variant Classification Scheme 2023. Collection method: clinical testing. Allele origin: germline.

Labcorp Genetics (formerly Invitae), Labcorp
Classification: Uncertain significance. Last evaluated: 2023-06-19. Review status: criteria provided, single submitter. Criteria: Invitae Variant Classification Sherloc (09022015). Collection method: clinical testing. Allele origin: germline.
Comment: This variant is not present in population databases (gnomAD no frequency). This sequence change replaces alanine, which is neutral and non-polar, with threonine, which is neutral and polar, at codon 308 of the HHAT protein (p.Ala308Thr). This variant has not been reported in the literature in individuals affected with HHAT-related conditions. Advanced modeling of protein sequence and biophysical properties (such as structural, functional, and spatial information, amino acid conservation, physicochemical variation, residue mobility, and thermodynamic stability) performed at Invitae indicates that this missense variant is not expected to disrupt HHAT protein function. In summary, the available evidence is currently insufficient to determine the role of this variant in disease. Therefore, it has been classified as a Variant of Uncertain Significance.

NM_018194.6(HHAT):c.922G>A (p.Ala308Thr)

Gene: HHAT (hedgehog acyltransferase; plus strand). Cytogenetic location: 1q32.2.
Variant type: single nucleotide variant.
Coding change: c.922G>A on transcript NM_018194.6 (MANE Select); coding-DNA position 922, G replaced by A.
Protein change: p.Ala308Thr; replaces alanine 308 with threonine.
Molecular consequence: missense variant.
Genome position (GRCh38, 1-based): chr1:210,464,570, G>A. VCF-style: chr1-210464570-G-A. GRCh37 (hg19) VCF-style: chr1-210637914-G-A.
Other names: c.922G>A, p.Ala308Thr (NM_001122834.4, NM_001170580.3); c.511G>A, p.Ala171Thr (NM_001170564.3); c.925G>A, p.Ala309Thr (NM_001170587.3); c.727G>A, p.Ala243Thr (NM_001170588.3); c.925G>A (NM_001170587.1); short protein forms A309T, A171T, A308T, A243T.
Identifiers: ClinVar variation 2961660 (VCV002961660.4), dbSNP rs2094055806, ClinGen allele CA344755928.